The following is an entry in ClinVar:

NM_004667.6(HERC2):c.8312A>T (p.His2771Leu)

Gene: HERC2 (HECT and RLD domain containing E3 ubiquitin protein ligase 2; minus strand). Cytogenetic location: 15q13.1.
Variant type: single nucleotide variant.
Coding change: c.8312A>T on transcript NM_004667.6 (MANE Select); coding-DNA position 8312, A replaced by T.
Protein change: p.His2771Leu; replaces histidine 2771 with leucine.
Molecular consequence: missense variant.
Genome position (GRCh38, 1-based): chr15:28,192,100, T>A on the plus strand (A>T on the coding strand, the complement: HERC2 is on the minus strand). VCF-style: chr15-28192100-T-A. GRCh37 (hg19) VCF-style: chr15-28437246-T-A.
Other names: c.8312A>T (NM_004667.5); short protein forms H2771L.
Identifiers: ClinVar variation 520876 (VCV000520876.6), dbSNP rs1006141302, ClinGen allele CA267933339.

ClinVar aggregate classification (germline): Uncertain significance. Review status: criteria provided, multiple submitters, no conflicts (2 of 4 stars). 2 submissions from 2 submitters: Uncertain significance (2). Last evaluated 2025-06-05.

Conditions:
Inborn genetic diseases. Identifiers: MedGen C0950123, MeSH D030342.

Allele frequency attached by ClinVar (database versions not stated): gnomAD exomes 0.00002 and 0.00001; TOPMed 0.00002.
gnomAD v4.1: 7 of 1,612,784 alleles (0.00043%); highest among the groups gnomAD compares: Admixed American, 0.01%; no homozygotes.

Submissions (2):

GeneDx
Classification: Uncertain significance. Last evaluated: 2025-06-05. Review status: criteria provided, single submitter. Criteria: GeneDx Variant Classification Process June 2021. Collection method: clinical testing. Allele origin: germline.
Comment: In silico analysis suggests that this missense variant does not alter protein structure/function; Has not been previously published as pathogenic or benign to our knowledge

Ambry Genetics
Classification: Uncertain significance for Inborn genetic diseases. Last evaluated: 2015-11-09. Review status: criteria provided, single submitter. Criteria: Ambry exome assertion method (8-5-2015). Collection method: clinical testing. Allele origin: germline. Affected: yes. Observed: 1 variant allele.